The following is an entry in ClinVar:

NM_001267550.2(TTN):c.12142G>T (p.Ala4048Ser)

Gene: TTN (titin; minus strand). Cytogenetic location: 2q31.2.
Variant type: single nucleotide variant.
Coding change: c.12142G>T on transcript NM_001267550.2 (MANE Select); coding-DNA position 12142, G replaced by T.
Protein change: p.Ala4048Ser; replaces alanine 4048 with serine.
Molecular consequence: missense variant. On other transcripts: intron variant (1).
Genome position (GRCh38, 1-based): chr2:178,741,091, C>A on the plus strand (G>T on the coding strand, the complement: TTN is on the minus strand). VCF-style: chr2-178741091-C-A. GRCh37 (hg19) VCF-style: chr2-179605818-C-A.
Other names: c.11191G>T, p.Ala3731Ser (NM_001256850.1); c.11053G>T, p.Ala3685Ser (NM_003319.4); c.11428G>T, p.Ala3810Ser (NM_133432.3); c.11629G>T, p.Ala3877Ser (NM_133437.4); c.10361-2731G>T (NM_133378.4); short protein forms A3731S, A3810S, A3877S, A3685S, A4048S.
Identifiers: ClinVar variation 1793461 (VCV001793461.2), dbSNP rs1020592902, ClinGen allele CA60984468.
Genomic context (GRCh38, chr2:178,741,091, plus strand): 5'-CTGAGTCAAGTGCTTCAACTGCGGGACCCTTTAAGGGTGTCTGTGGAAAATCCTCAGGAG[C>A]CTCTGGTGTGGACTTTGCTTTGCAGGGGGTATCAGTCATGTCTGTGTCTTCCAGAAGCAC-3'
Protein context (NP_001254479.2, residues 4038-4058): TPCKAKSTPE[Ala4048Ser]PEDFPQTPLK

ClinVar aggregate classification (germline): Uncertain significance (1 of 4 stars; one submission).

Conditions:
Cardiovascular phenotype. Identifiers: MedGen CN230736.

gnomAD v4.1: 7 of 1,613,736 alleles (0.00043%); highest among the groups gnomAD compares: African/African-American, 0.0093%; no homozygotes.

Submission:

Ambry Genetics
Classification: Uncertain significance for Cardiovascular phenotype. Last evaluated: 2020-05-26. Review status: criteria provided, single submitter. Criteria: Ambry Variant Classification Scheme 2023. Collection method: clinical testing. Allele origin: germline.
Comment: The p.A3685S variant (also known as c.11053G>T), located in coding exon 44 of the TTN gene, results from a G to T substitution at nucleotide position 11053. The alanine at codon 3685 is replaced by serine, an amino acid with similar properties. This amino acid position is not well conserved in available vertebrate species. In addition, this alteration is predicted to be tolerated by in silico analysis. Since supporting evidence is limited at this time, the clinical significance of this alteration remains unclear.